The following is an entry in ClinVar:

NM_001927.4(DES):c.1218G>T (p.Arg406=)

Gene: DES (desmin; plus strand). Cytogenetic location: 2q35.
Variant type: single nucleotide variant.
Coding change: c.1218G>T on transcript NM_001927.4 (MANE Select); coding-DNA position 1218, G replaced by T.
Protein change: p.Arg406=; no amino-acid change (arginine 406 retained).
Molecular consequence: synonymous variant.
Genome position (GRCh38, 1-based): chr2:219,421,534, G>T. VCF-style: chr2-219421534-G-T. GRCh37 (hg19) VCF-style: chr2-220286256-G-T.
Other names: c.1215G>T, p.Arg405= (NM_001382708.1); c.786G>T, p.Arg262= (NM_001382709.1); c.1149G>T, p.Arg383= (NM_001382710.1); c.1197G>T, p.Arg399= (NM_001382711.1); c.1218G>T, p.Arg406= (NM_001382712.1); c.948G>T, p.Arg316= (NM_001382713.1).
Identifiers: ClinVar variation 2943439 (VCV002943439.3), dbSNP rs2545255464, ClinGen allele CA431284498.

ClinVar aggregate classification (germline): Uncertain significance (1 of 4 stars; one submission).

Conditions:
Desmin-related myofibrillar myopathy (MFM1). Also called: MYOFIBRILLAR MYOPATHY WITH ARRHYTHMOGENIC RIGHT VENTRICULAR CARDIOMYOPATHY; DESMIN-RELATED MYOPATHY WITH ARRHYTHMOGENIC RIGHT VENTRICULAR CARDIOMYOPATHY; Myofibrillar myopathy 1; Desminopathy; Desmin related myopathy (former name); Desmin storage myopathy (former name). Identifiers: Orphanet 363543, Orphanet 98909, MedGen C1832370, MONDO:0011076, OMIM 601419.

Submission:

Labcorp Genetics (formerly Invitae), Labcorp
Classification: Uncertain significance for Desmin-related myofibrillar myopathy. Last evaluated: 2023-01-20. Review status: criteria provided, single submitter. Criteria: Invitae Variant Classification Sherloc (09022015). Collection method: clinical testing. Allele origin: germline.
Comment: This sequence change affects codon 406 of the DES mRNA. It is a 'silent' change, meaning that it does not change the encoded amino acid sequence of the DES protein. This variant is not present in population databases (gnomAD no frequency). This variant has not been reported in the literature in individuals affected with DES-related conditions. Algorithms developed to predict the effect of sequence changes on RNA splicing suggest that this variant may create or strengthen a splice site. In summary, the available evidence is currently insufficient to determine the role of this variant in disease. Therefore, it has been classified as a Variant of Uncertain Significance.